The following is an entry in ClinVar:

ClinVar aggregate classification (germline): Uncertain significance. Review status: criteria provided, multiple submitters, no conflicts (2 of 4 stars). 3 submissions from 3 submitters: Uncertain significance (3). Last evaluated 2024-09-24.

Conditions:
Inborn genetic diseases. Identifiers: MedGen C0950123, MeSH D030342.
MEGF8-related Carpenter syndrome. Also called: Carpenter syndrome 2. Identifiers: Orphanet 65759, MedGen C3554247, MONDO:0013998, OMIM 614976.

Allele frequency attached by ClinVar (database versions not stated): gnomAD exomes 0.00002; gnomAD 0.00006; TOPMed 0.00006; ESP Exome Variant Server 0.00008; ExAC 0.00011.
gnomAD v4.1: 53 of 1,592,954 alleles (0.0033%); highest among the groups gnomAD compares: Non-Finnish European, 0.0006%; no homozygotes.

Submissions (3):

Blueprint Genetics
Classification: Uncertain significance. Last evaluated: 2024-09-24. Review status: criteria provided, single submitter. Criteria: ACMG Guidelines, 2015. Collection method: clinical testing. Allele origin: germline.

Ambry Genetics
Classification: Uncertain significance for Inborn genetic diseases. Last evaluated: 2023-04-18. Review status: criteria provided, single submitter. Criteria: Ambry Variant Classification Scheme 2023. Collection method: clinical testing. Allele origin: germline.

Labcorp Genetics (formerly Invitae), Labcorp
Classification: Uncertain significance for MEGF8-related Carpenter syndrome. Last evaluated: 2022-06-24. Review status: criteria provided, single submitter. Criteria: Invitae Variant Classification Sherloc (09022015). Collection method: clinical testing. Allele origin: germline.
Comment: This sequence change replaces glycine, which is neutral and non-polar, with glutamic acid, which is acidic and polar, at codon 1229 of the MEGF8 protein (p.Gly1229Glu). This variant is present in population databases (rs367923884, gnomAD 0.2%). This variant has not been reported in the literature in individuals affected with MEGF8-related conditions. Algorithms developed to predict the effect of missense changes on protein structure and function are either unavailable or do not agree on the potential impact of this missense change (SIFT: "Deleterious"; PolyPhen-2: "Benign"; Align-GVGD: "Class C0"). In summary, the available evidence is currently insufficient to determine the role of this variant in disease. Therefore, it has been classified as a Variant of Uncertain Significance.

NM_001271938.2(MEGF8):c.3887G>A (p.Gly1296Glu)

Gene: MEGF8 (multiple EGF like domains 8; plus strand). Cytogenetic location: 19q13.2.
Variant type: single nucleotide variant.
Coding change: c.3887G>A on transcript NM_001271938.2 (MANE Select); coding-DNA position 3887, G replaced by A.
Protein change: p.Gly1296Glu; replaces glycine 1296 with glutamic acid.
Molecular consequence: missense variant.
Genome position (GRCh38, 1-based): chr19:42,353,900, G>A. VCF-style: chr19-42353900-G-A. GRCh37 (hg19) VCF-style: chr19-42858052-G-A.
Other names: c.3686G>A, p.Gly1229Glu (NM_001410.3); c.3686G>A (NM_001410.2); short protein forms G1229E, G1296E.
Identifiers: ClinVar variation 2197951 (VCV002197951.4), dbSNP rs367923884, ClinGen allele CA9475117.